The following is an entry in ClinVar:

ClinVar aggregate classification (germline): Likely benign. Review status: criteria provided, single submitter (1 of 4 stars). 2 submissions from 2 submitters: Likely benign (1). 1 of the submissions does not count toward it. Last evaluated 2025-06-22.

Conditions:
KRT9-related disorder. Also called: KRT9-related condition.

Allele frequency attached by ClinVar (database versions not stated): ExAC 0.00006; TOPMed 0.00007; gnomAD 0.00009.
gnomAD v4.1: 45 of 1,611,502 alleles (0.0028%); highest among the groups gnomAD compares: Admixed American, 0.075%; 1 homozygote.

Submissions (2):

Labcorp Genetics (formerly Invitae), Labcorp
Classification: Likely benign. Last evaluated: 2025-06-22. Review status: criteria provided, single submitter. Criteria: Invitae Variant Classification Sherloc (09022015). Collection method: clinical testing. Allele origin: germline.

PreventionGenetics, part of Exact Sciences
Classification: Likely benign for KRT9-related condition. Last evaluated: 2020-03-30. Review status: no assertion criteria provided. Collection method: clinical testing. Allele origin: germline. Not counted in ClinVar's aggregate classification.
Comment: This variant is classified as likely benign based on ACMG/AMP sequence variant interpretation guidelines (Richards et al. 2015 PMID: 25741868, with internal and published modifications).

NM_000226.4(KRT9):c.1394+8C>G

Gene: KRT9 (keratin 9; minus strand). Cytogenetic location: 17q21.2.
Variant type: single nucleotide variant.
Coding change: c.1394+8C>G on transcript NM_000226.4 (MANE Select); 8 bases into the intron after coding-DNA position 1394, C replaced by G.
Molecular consequence: intron variant.
Genome position (GRCh38, 1-based): chr17:41,568,154, G>C on the plus strand (C>G on the coding strand, the complement: KRT9 is on the minus strand). VCF-style: chr17-41568154-G-C. GRCh37 (hg19) VCF-style: chr17-39724406-G-C.
Identifiers: ClinVar variation 3046581 (VCV003046581.3), dbSNP rs761668776, ClinGen allele CA8561957.